The following is an entry in ClinVar:

NM_013436.5(NCKAP1):c.2236T>C (p.Tyr746His)

Gene: NCKAP1 (NCK associated protein 1; minus strand). Cytogenetic location: 2q32.1.
Variant type: single nucleotide variant.
Coding change: c.2236T>C on transcript NM_013436.5 (MANE Select); coding-DNA position 2236, T replaced by C.
Protein change: p.Tyr746His; replaces tyrosine 746 with histidine.
Molecular consequence: missense variant.
Genome position (GRCh38, 1-based): chr2:182,953,249, A>G on the plus strand (T>C on the coding strand, the complement: NCKAP1 is on the minus strand). VCF-style: chr2-182953249-A-G. GRCh37 (hg19) VCF-style: chr2-183817977-A-G.
Other names: c.2254T>C, p.Tyr752His (NM_205842.3); short protein forms Y746H, Y752H.
Identifiers: ClinVar variation 3252311 (VCV003252311.1), dbSNP rs2468587835.

ClinVar aggregate classification (germline): Uncertain significance (1 of 4 stars; one submission).

Allele frequency attached by ClinVar (database versions not stated): gnomAD exomes below 0.00001.
gnomAD v4.1: 1 of 1,613,348 alleles (0.000062%); highest among the groups gnomAD compares: Non-Finnish European, 0.000085%; no homozygotes.

Submission:

GeneDx
Classification: Uncertain significance. Last evaluated: 2023-12-07. Review status: criteria provided, single submitter. Criteria: GeneDx Variant Classification Process June 2021. Collection method: clinical testing. Allele origin: germline. Affected: yes.
Comment: Not observed at significant frequency in large population cohorts (gnomAD); In silico analysis supports that this missense variant has a deleterious effect on protein structure/function; Has not been previously published as pathogenic or benign to our knowledge